The following is an entry in ClinVar:

ClinVar aggregate classification (germline): Likely benign (1 of 4 stars; one submission).

Conditions:
UCP3-related disorder. Also called: UCP3-related condition.

Submission:

PreventionGenetics, part of Exact Sciences
Classification: Likely benign for UCP3-related condition. Last evaluated: 2025-04-24. Review status: criteria provided, single submitter. Criteria: ACMG Guidelines, 2015. Collection method: clinical testing. Allele origin: germline.
Comment: This variant is classified as likely benign based on ACMG/AMP sequence variant interpretation guidelines (Richards et al. 2015 PMID: 25741868, with internal and published modifications).

NM_003356.4(UCP3):c.729C>T (p.Thr243=)

Gene: UCP3 (uncoupling protein 3; minus strand). Cytogenetic location: 11q13.4.
Variant type: single nucleotide variant.
Coding change: c.729C>T on transcript NM_003356.4 (MANE Select); coding-DNA position 729, C replaced by T.
Protein change: p.Thr243=; no amino-acid change (threonine 243 retained).
Molecular consequence: synonymous variant.
Genome position (GRCh38, 1-based): chr11:74,003,922, G>A on the plus strand (C>T on the coding strand, the complement: UCP3 is on the minus strand). VCF-style: chr11-74003922-G-A. GRCh37 (hg19) VCF-style: chr11-73714967-G-A.
Other names: c.729C>T, p.Thr243= (NM_022803.3).
Identifiers: ClinVar variation 4980672 (VCV004980672.1).
Genomic context (GRCh38, chr11:74,003,922, plus strand): 5'-CATCTTTATCATACAGTCGAGGGGGCTGAAGTACTGGCCTGGAGGTGAGTTCATATACCG[G>A]GTCTTCACCACGTCCACCGGGGAGGCCACCACTGTGGCACAGAAGCCGGCTCCAAAGGCA-3'
Protein context (NP_003347.1, residues 233-253): VVASPVDVVK[Thr243=]RYMNSPPGQY